The following is an entry in ClinVar:

ClinVar aggregate classification (germline): Uncertain significance (1 of 4 stars; one submission).

Submission:

CeGaT Center for Human Genetics Tuebingen
Classification: Uncertain significance. Last evaluated: 2024-07-01. Review status: criteria provided, single submitter. Criteria: CeGaT Center For Human Genetics Tuebingen Variant Classification Criteria Version 2. Collection method: clinical testing. Allele origin: germline. Affected: yes. Observed: 1 variant allele.
Comment: CUX1: PM2, PP2, BP4

NM_001913.5(CUX1):c.1738G>A (p.Asp580Asn)

Gene: CUX1 (cut like homeobox 1; plus strand). Cytogenetic location: 7q22.1.
Variant type: single nucleotide variant.
Coding change: c.1738G>A on transcript NM_001913.5 (MANE Plus Clinical); coding-DNA position 1738, G replaced by A.
Protein change: p.Asp580Asn; replaces aspartic acid 580 with asparagine.
Molecular consequence: missense variant.
Genome position (GRCh38, 1-based): chr7:102,280,094, G>A. VCF-style: chr7-102280094-G-A. GRCh37 (hg19) VCF-style: chr7-101923386-G-A.
Other names: c.1690G>A, p.Asp564Asn (NM_001202544.3); c.1600G>A, p.Asp534Asn (NM_001202545.3); c.1621G>A, p.Asp541Asn (NM_001202546.3); c.1732G>A, p.Asp578Asn (NM_181500.4); short protein forms D534N, D541N, D564N, D578N, D580N.
Identifiers: ClinVar variation 3257083 (VCV003257083.16).